The following is an entry in ClinVar:

NM_024422.6(DSC2):c.944T>A (p.Leu315Ter)

Gene: DSC2 (desmocollin 2; minus strand). Cytogenetic location: 18q12.1.
Variant type: single nucleotide variant.
Coding change: c.944T>A on transcript NM_024422.6 (MANE Select); coding-DNA position 944, T replaced by A.
Protein change: p.Leu315Ter; replaces leucine 315 with a stop codon.
Molecular consequence: nonsense.
Genome position (GRCh38, 1-based): chr18:31,083,059, A>T on the plus strand (T>A on the coding strand, the complement: DSC2 is on the minus strand). VCF-style: chr18-31083059-A-T. GRCh37 (hg19) VCF-style: chr18-28663025-A-T.
Other names: c.515T>A, p.Leu172Ter (NM_001406506.1, NM_001406507.1); c.944T>A, p.Leu315Ter (NM_004949.5); short protein forms L315*, L172*.
Identifiers: ClinVar variation 5005878 (VCV005005878.2).

ClinVar aggregate classification (germline): Likely pathogenic (1 of 4 stars; one submission).

Conditions:
Arrhythmogenic right ventricular dysplasia 11. Also called: Arrhythmogenic Right Ventricular Dysplasia/Cardiomyopathy11; Arrhythmogenic right ventricular dysplasia 11 with mild palmoplantar keratoderma and woolly hair; ARRHYTHMOGENIC RIGHT VENTRICULAR DYSPLASIA, FAMILIAL, 11. Identifiers: MedGen C1864850, MONDO:0012506, OMIM 610476.

Submission:

Juno Genomics, Hangzhou Juno Genomics, Inc
Classification: Likely pathogenic for Arrhythmogenic right ventricular dysplasia 11. Review status: criteria provided, single submitter. Criteria: ACMG Guidelines, 2015. Collection method: clinical testing. Allele origin: germline.
Comment: Null variant in a gene where loss of function (LOF) is a known mechanism of disease.;Absent from controls (or at extremely low frequency if recessive) in Genome Aggregation Database.